The following is an entry in ClinVar:

NM_003072.5(SMARCA4):c.4363C>G (p.Pro1455Ala)

Gene: SMARCA4 (SWI/SNF related BAF chromatin remodeling complex subunit ATPase 4; plus strand). Cytogenetic location: 19p13.2.
Variant type: single nucleotide variant.
Coding change: c.4363C>G on transcript NM_003072.5 (MANE Select); coding-DNA position 4363, C replaced by G.
Protein change: p.Pro1455Ala; replaces proline 1455 with alanine.
Molecular consequence: missense variant. On other transcripts: non-coding transcript variant (1).
Genome position (GRCh38, 1-based): chr19:11,041,499, C>G. VCF-style: chr19-11041499-C-G. GRCh37 (hg19) VCF-style: chr19-11152175-C-G.
Other names: c.4363C>G, p.Pro1455Ala (NM_001128844.3); c.4273C>G, p.Pro1425Ala (NM_001128845.2, NM_001128846.2); c.4264C>G, p.Pro1422Ala (NM_001128847.4, NM_001128848.2, NM_001374457.1); c.4459C>G, p.Pro1487Ala (NM_001128849.3, NM_001387283.1); c.4360C>G, p.Pro1454Ala (NM_001411150.1); short protein forms P1425A, P1487A, P1455A, P1422A, P1454A.
Identifiers: ClinVar variation 1740751 (VCV001740751.4), dbSNP rs2146821298, ClinGen allele CA404074002.

ClinVar aggregate classification (germline): Uncertain significance. Review status: criteria provided, multiple submitters, no conflicts (2 of 4 stars). 2 submissions from 2 submitters: Uncertain significance (2). Last evaluated 2024-11-07.

Conditions:
Hereditary cancer-predisposing syndrome. Also called: Hereditary Cancer Syndrome; Hereditary neoplastic syndrome; Neoplastic Syndromes, Hereditary; Tumor predisposition. Identifiers: Orphanet 140162, MedGen C0027672, MeSH D009386, MONDO:0015356.
Rhabdoid tumor predisposition syndrome 2 (RTPS2). Identifiers: Orphanet 231108, Orphanet 69077, MedGen C2750074, MONDO:0013224, OMIM 613325.

Submissions (2):

Labcorp Genetics (formerly Invitae), Labcorp
Classification: Uncertain significance for Rhabdoid tumor predisposition syndrome 2. Last evaluated: 2024-11-07. Review status: criteria provided, single submitter. Criteria: Invitae Variant Classification Sherloc (09022015). Collection method: clinical testing. Allele origin: germline.
Comment: This sequence change replaces proline, which is neutral and non-polar, with alanine, which is neutral and non-polar, at codon 1487 of the SMARCA4 protein (p.Pro1487Ala). This variant is not present in population databases (gnomAD no frequency). This variant has not been reported in the literature in individuals affected with SMARCA4-related conditions. ClinVar contains an entry for this variant (Variation ID: 1740751). Invitae Evidence Modeling of protein sequence and biophysical properties (such as structural, functional, and spatial information, amino acid conservation, physicochemical variation, residue mobility, and thermodynamic stability) has been performed for this missense variant. However, the output from this modeling did not meet the statistical confidence thresholds required to predict the impact of this variant on SMARCA4 protein function. In summary, the available evidence is currently insufficient to determine the role of this variant in disease. Therefore, it has been classified as a Variant of Uncertain Significance.

Ambry Genetics
Classification: Uncertain significance for Hereditary cancer-predisposing syndrome. Last evaluated: 2020-10-14. Review status: criteria provided, single submitter. Criteria: Ambry Variant Classification Scheme 2023. Collection method: clinical testing. Allele origin: germline.
Comment: The p.P1487A variant (also known as c.4459C>G), located in coding exon 30 of the SMARCA4 gene, results from a C to G substitution at nucleotide position 4459. The proline at codon 1487 is replaced by alanine, an amino acid with highly similar properties. This amino acid position is highly conserved in available vertebrate species. In addition, this alteration is predicted to be tolerated by in silico analysis. Since supporting evidence is limited at this time, the clinical significance of this alteration remains unclear.